The following is an entry in ClinVar:

NM_000352.6(ABCC8):c.4438A>G (p.Asn1480Asp)

Gene: ABCC8 (ATP binding cassette subfamily C member 8; minus strand). Cytogenetic location: 11p15.1.
Variant type: single nucleotide variant.
Coding change: c.4438A>G on transcript NM_000352.6 (MANE Select); coding-DNA position 4438, A replaced by G.
Protein change: p.Asn1480Asp; replaces asparagine 1480 with aspartic acid.
Molecular consequence: missense variant. On other transcripts: non-coding transcript variant (1).
Genome position (GRCh38, 1-based): chr11:17,394,373, T>C on the plus strand (A>G on the coding strand, the complement: ABCC8 is on the minus strand). VCF-style: chr11-17394373-T-C. GRCh37 (hg19) VCF-style: chr11-17415920-T-C.
Other names: c.4441A>G, p.Asn1481Asp (NM_001287174.3); c.4504A>G, p.Asn1502Asp (NM_001351295.2); c.4438A>G, p.Asn1480Asp (NM_001351296.2); c.4435A>G, p.Asn1479Asp (NM_001351297.2); short protein forms N1481D, N1480D, N1502D, N1479D.
Identifiers: ClinVar variation 807357 (VCV000807357.4), dbSNP rs1591705863, ClinGen allele CA379783602.

ClinVar aggregate classification (germline): Conflicting classifications of pathogenicity. Review status: criteria provided, conflicting classifications (1 of 4 stars). 3 submissions from 2 submitters: Likely pathogenic (1); Uncertain significance (2). Last evaluated 2020-01-17.

Conditions:
Maturity-onset diabetes of the young (MODY). Also called: Maturity onset diabetes mellitus in young. Identifiers: Orphanet 552, MedGen C0342276, MONDO:0018911, HP:0004904.
Hyperinsulinemic hypoglycemia, familial, 1 (HHF1). Also called: HYPERINSULINISM, FAMILIAL, WITH PANCREATIC NESIDIOBLASTOSIS; HYPOGLYCEMIA, HYPERINSULINEMIC, OF INFANCY; NESIDIOBLASTOSIS OF PANCREAS; Persistent Hyperinsulinemia Hypoglycemia of Infancy; Persistent hyperinsulinemic hypoglycemia of infancy. Identifiers: Orphanet 276575, Orphanet 276598, MedGen C2931832, MONDO:0009734, OMIM 256450.
Transitory neonatal diabetes mellitus. Also called: Transient neonatal diabetes mellitus. Identifiers: MedGen C0342273, MONDO:0020525, HP:0008255.

Submissions (3):

Institute of Human Genetics Munich, TUM University Hospital
Classification: Likely pathogenic for Hyperinsulinemic hypoglycemia, familial, 1. Last evaluated: 2020-01-17. Review status: criteria provided, single submitter. Criteria: Classification criteria August 2017. Collection method: clinical testing. Allele origin: de novo. Inheritance: Autosomal dominant inheritance. Affected: yes. Observed: 1 heterozygote.

Clinical Genomics, Uppaluri K&H Personalized Medicine Clinic
Classification: Uncertain significance for Maturity-onset diabetes of the young. Review status: criteria provided, single submitter. Criteria: K & H Uppaluri Personalized Medicine Clinic Variant Classification & Assertion Criteria_Updated V.1. Collection method: research. Allele origin: somatic. Inheritance: Somatic mutation.
Comment: Mutations in ABCC8 gene are associated with both neonatal diabetes mellitus as well as MODY. Patients with this mutation may have a better response to sulfonylureas. However, no sufficient evidence is found to ascertain the role of this particular variant ( rs1591705863) in MODY yet.

Clinical Genomics, Uppaluri K&H Personalized Medicine Clinic
Classification: Uncertain significance for Transitory neonatal diabetes mellitus. Review status: criteria provided, single submitter. Criteria: K & H Uppaluri Personalized Medicine Clinic Variant Classification & Assertion Criteria_Updated V.1. Collection method: research. Allele origin: somatic. Inheritance: Somatic mutation.
Comment: Mutations in ABCC8 gene are associated with both neonatal diabetes mellitus as well as MODY. Patients with this mutation may have a better response to sulfonylureas. However, no sufficient evidence is found to ascertain the role of this particular variant ( rs1591705863) in neonatal diabetes yet.

Literature cited by the submitters: PubMed 16885549 (cited by Clinical Genomics, Uppaluri K&H Personalized Medicine Clinic); PubMed 21989597 (cited by Clinical Genomics, Uppaluri K&H Personalized Medicine Clinic); PubMed 27538677 (cited by Clinical Genomics, Uppaluri K&H Personalized Medicine Clinic); PubMed 18981553 (cited by Clinical Genomics, Uppaluri K&H Personalized Medicine Clinic); PubMed 32027066 (cited by Clinical Genomics, Uppaluri K&H Personalized Medicine Clinic); PubMed 16613899 (cited by Clinical Genomics, Uppaluri K&H Personalized Medicine Clinic); PubMed 18025408 (cited by Clinical Genomics, Uppaluri K&H Personalized Medicine Clinic); PubMed 32792356 (cited by Clinical Genomics, Uppaluri K&H Personalized Medicine Clinic).